The following is an entry in ClinVar:

NM_013427.3(ARHGAP6):c.384C>A (p.Arg128=)

Gene: ARHGAP6 (Rho GTPase activating protein 6; minus strand). Cytogenetic location: Xp22.2.
Variant type: single nucleotide variant.
Coding change: c.384C>A on transcript NM_013427.3 (MANE Select); coding-DNA position 384, C replaced by A.
Protein change: p.Arg128=; no amino-acid change (arginine 128 retained).
Molecular consequence: synonymous variant. On other transcripts: non-coding transcript variant (1).
Genome position (GRCh38, 1-based): chrX:11,664,445, G>T on the plus strand (C>A on the coding strand, the complement: ARHGAP6 is on the minus strand). VCF-style: chrX-11664445-G-T. GRCh37 (hg19) VCF-style: chrX-11682565-G-T.
Other names: c.384C>A, p.Arg128= (NM_006125.3).
Identifiers: ClinVar variation 2659990 (VCV002659990.24), dbSNP rs1188248646, ClinGen allele CA515630179.
Genomic context (GRCh38, chrX:11,664,445, plus strand): 5'-ACTGGCTGGCCCGGCCAGGACAGAAGGCAGGTCCCAGGCCATGCTCTTCTTGAGGCCGCC[G>T]CGACCCAGGGGAACCTCATAGTCAAAGTGAAAGCTGCCGGATGGTGACTTCTCCTGCGGG-3'
Protein context (NP_038286.2, residues 118-138): FHFDYEVPLG[Arg128=]GGLKKSMAWD

ClinVar aggregate classification (germline): Likely benign (1 of 4 stars; one submission).

Allele frequency attached by ClinVar (database versions not stated): gnomAD 0.00001; TOPMed 0.00001.
gnomAD v4.1: 8 of 1,210,724 alleles (0.00066%); highest among the groups gnomAD compares: African/African-American, 0.0035%; no homozygotes.

Submission:

CeGaT Center for Human Genetics Tuebingen
Classification: Likely benign. Last evaluated: 2022-12-01. Review status: criteria provided, single submitter. Criteria: CeGaT Center For Human Genetics Tuebingen Variant Classification Criteria Version 2. Collection method: clinical testing. Allele origin: germline. Affected: yes. Observed: 1 variant allele.
Comment: ARHGAP6: BP4, BP7